The following is an entry in ClinVar:

NM_201253.3(CRB1):c.2549G>T (p.Gly850Val)

Gene: CRB1 (crumbs cell polarity complex component 1; plus strand). Cytogenetic location: 1q31.3.
Variant type: single nucleotide variant.
Coding change: c.2549G>T on transcript NM_201253.3 (MANE Select); coding-DNA position 2549, G replaced by T.
Protein change: p.Gly850Val; replaces glycine 850 with valine.
Molecular consequence: missense variant. On other transcripts: non-coding transcript variant (2), intron variant (1).
Genome position (GRCh38, 1-based): chr1:197,427,874, G>T. VCF-style: chr1-197427874-G-T. GRCh37 (hg19) VCF-style: chr1-197397004-G-T.
Other names: c.2213G>T, p.Gly738Val (NM_001193640.2); c.2342G>T, p.Gly781Val (NM_001257965.2); c.2128+5918G>T (NM_001257966.2); short protein forms G781V, G850V, G738V.
Identifiers: ClinVar variation 1388331 (VCV001388331.10), dbSNP rs757137398, ClinGen allele CA1312140.
Genomic context (GRCh38, chr1:197,427,874, plus strand): 5'-TCTACATTGGTGGCCTACCTGACAAGCAAGAGACTGAACTTAATGGTGGATTCTTCAAAG[G>T]CTGTATCCAAGATGTAAGACTAAACAACCAAAATCTGGAATTCTTTCCAAATCCAACAAA-3'
Protein context (NP_957705.1, residues 840-860): ETELNGGFFK[Gly850Val]CIQDVRLNNQ

ClinVar aggregate classification (germline): Pathogenic/Likely pathogenic. Review status: criteria provided, multiple submitters, no conflicts (2 of 4 stars). 3 submissions from 3 submitters: Pathogenic (1); Likely pathogenic (2). Last evaluated 2024-12-03.

Conditions:
Leber congenital amaurosis 8 (LCA8). Identifiers: Orphanet 65, MedGen C3151202, MONDO:0013453, OMIM 613835.
Retinitis pigmentosa 12 (RP12). Also called: RP WITH OR WITHOUT PRESERVED PARAARTERIOLE RETINAL PIGMENT EPITHELIUM; RETINITIS PIGMENTOSA WITH OR WITHOUT PARAARTERIOLAR PRESERVATION OF RETINAL PIGMENT EPITHELIUM; RP WITH OR WITHOUT PPRPE. Identifiers: Orphanet 791, MedGen C1838647, MONDO:0010818, OMIM 600105.
Pigmented paravenous retinochoroidal atrophy. Identifiers: Orphanet 251295, MedGen C1868310, MONDO:0008246, OMIM 172870.

Allele frequency attached by ClinVar (database versions not stated): ExAC 0.00001; gnomAD 0.00001.
gnomAD v4.1: 4 of 1,613,866 alleles (0.00025%); highest among the groups gnomAD compares: Admixed American, 0.005%; no homozygotes.

Submissions (3):

Labcorp Genetics (formerly Invitae), Labcorp
Classification: Pathogenic for Leber congenital amaurosis 8; Retinitis pigmentosa 12. Last evaluated: 2024-12-03. Review status: criteria provided, single submitter. Criteria: Invitae Variant Classification Sherloc (09022015). Collection method: clinical testing. Allele origin: germline.
Comment: This sequence change replaces glycine, which is neutral and non-polar, with valine, which is neutral and non-polar, at codon 850 of the CRB1 protein (p.Gly850Val). This variant is present in population databases (rs757137398, gnomAD 0.009%). This missense change has been observed in individuals with inherited retinal dystrophy (PMID: 26626312; internal data). ClinVar contains an entry for this variant (Variation ID: 1388331). Invitae Evidence Modeling of protein sequence and biophysical properties (such as structural, functional, and spatial information, amino acid conservation, physicochemical variation, residue mobility, and thermodynamic stability) indicates that this missense variant is expected to disrupt CRB1 protein function with a positive predictive value of 95%. This variant disrupts the p.Gly850 amino acid residue in CRB1. Other variant(s) that disrupt this residue have been determined to be pathogenic (PMID: 15459956, 20956273). This suggests that this residue is clinically significant, and that variants that disrupt this residue are likely to be disease-causing. For these reasons, this variant has been classified as Pathogenic.

Fulgent Genetics
Classification: Likely pathogenic for Pigmented paravenous retinochoroidal atrophy; Retinitis pigmentosa 12; Leber congenital amaurosis 8. Last evaluated: 2024-04-15. Review status: criteria provided, single submitter. Criteria: ACMG Guidelines, 2015. Collection method: clinical testing. Allele origin: germline.

Baylor Genetics
Classification: Likely pathogenic for Leber congenital amaurosis 8. Last evaluated: 2023-11-14. Review status: criteria provided, single submitter. Criteria: ACMG Guidelines, 2015. Collection method: clinical testing. Allele origin: unknown.

Literature cited by the submitters: PubMed 26626312 (cited by Labcorp Genetics (formerly Invitae), Labcorp); PubMed 15459956 (cited by Labcorp Genetics (formerly Invitae), Labcorp); PubMed 20956273 (cited by Labcorp Genetics (formerly Invitae), Labcorp).